The following is an entry in ClinVar:

NM_014625.4(NPHS2):c.-116C>T

Gene: NPHS2 (NPHS2 stomatin family member, podocin; minus strand). Cytogenetic location: 1q25.2.
Variant type: single nucleotide variant.
Coding change: c.-116C>T on transcript NM_014625.4 (MANE Select); 116 bases upstream of the start codon, C replaced by T.
Molecular consequence: genic upstream transcript variant.
Genome position (GRCh38, 1-based): chr1:179,575,980, G>A on the plus strand (C>T on the coding strand, the complement: NPHS2 is on the minus strand). VCF-style: chr1-179575980-G-A. GRCh37 (hg19) VCF-style: chr1-179545115-G-A.
Identifiers: ClinVar variation 1165811 (VCV001165811.15), dbSNP rs1079291, ClinGen allele CA10693376.

ClinVar aggregate classification (germline): Benign. Review status: criteria provided, multiple submitters, no conflicts (2 of 4 stars). 5 submissions from 5 submitters: Benign (4). 1 of the submissions does not count toward it. Last evaluated 2025-06-04.

Conditions:
Steroid-resistant nephrotic syndrome. Identifiers: MedGen C0403397, MONDO:0044765, HP:0012588.
Nephrotic syndrome, type 2 (NPHS2). Also called: NEPHROTIC SYNDROME, STEROID-RESISTANT, AUTOSOMAL RECESSIVE. Identifiers: Orphanet 656, MedGen C1868672, MONDO:0010974, OMIM 600995.

Allele frequency attached by ClinVar (database versions not stated): gnomAD 0.22397 and 0.23195; TOPMed 0.23089; 1000 Genomes Project 30x 0.26718; 1000 Genomes Project 0.27456.

Submissions (5):

Labcorp Genetics (formerly Invitae), Labcorp
Classification: Benign. Last evaluated: 2025-06-04. Review status: criteria provided, single submitter. Criteria: Invitae Variant Classification Sherloc (09022015). Collection method: clinical testing. Allele origin: germline.

Genome-Nilou Lab
Classification: Benign for Nephrotic syndrome, type 2. Last evaluated: 2021-07-08. Review status: criteria provided, single submitter. Criteria: ACMG Guidelines, 2015. Collection method: clinical testing. Allele origin: germline. Affected: no.

GeneDx
Classification: Benign. Last evaluated: 2019-08-20. Review status: criteria provided, single submitter. Criteria: GeneDx Variant Classification Process June 2021. Collection method: clinical testing. Allele origin: germline. Affected: yes.
Comment: This variant is associated with the following publications: (PMID: 16900088, 19562271)

Breakthrough Genomics
Classification: Benign. Review status: criteria provided, single submitter. Criteria: ACMG Guidelines, 2015. Collection method: not provided. Allele origin: germline. Inheritance: Autosomal recessive inheritance. Affected: yes.

Natera, Inc.
Classification: Benign for Steroid-resistant nephrotic syndrome. Last evaluated: 2019-10-28. Review status: no assertion criteria provided. Collection method: clinical testing. Allele origin: germline. Not counted in ClinVar's aggregate classification.